The following is an entry in ClinVar:

NM_032607.3(CREB3L3):c.538G>A (p.Val180Met)

Gene: CREB3L3 (cAMP responsive element binding protein 3 like 3; plus strand). Cytogenetic location: 19p13.3.
Variant type: single nucleotide variant.
Coding change: c.538G>A on transcript NM_032607.3 (MANE Select); coding-DNA position 538, G replaced by A.
Protein change: p.Val180Met; replaces valine 180 with methionine.
Molecular consequence: missense variant.
Genome position (GRCh38, 1-based): chr19:4,159,744, G>A. VCF-style: chr19-4159744-G-A. GRCh37 (hg19) VCF-style: chr19-4159741-G-A.
Other names: c.535G>A, p.Val179Met (NM_001271995.2); c.538G>A, p.Val180Met (NM_001271996.2, NM_001271997.2); c.538G>A (NM_032607.1); short protein forms V179M, V180M.
Identifiers: ClinVar variation 2138189 (VCV002138189.6), dbSNP rs548714946, ClinGen allele CA9091354.
Genomic context (GRCh38, chr19:4,159,744, plus strand): 5'-AGGATCTGTGCTGAGAAGCCGGCTGATCCGGTGGACCTGTCCCCACGATGCAATCTCACC[G>A]TGAAAGACCTCCTCCTTTCGGGCAGCAGTGGGGACCTGGTGAGCACCCCCACACCCTCCC-3'
Protein context (NP_115996.1, residues 170-190): VDLSPRCNLT[Val180Met]KDLLLSGSSG

ClinVar aggregate classification (germline): Uncertain significance. Review status: criteria provided, multiple submitters, no conflicts (2 of 4 stars). 2 submissions from 2 submitters: Uncertain significance (2). Last evaluated 2025-11-01.

Allele frequency attached by ClinVar (database versions not stated): gnomAD exomes 0.00003; TOPMed 0.00004; ExAC 0.00005; gnomAD 0.00007; 1000 Genomes Project 30x 0.00016; 1000 Genomes Project 0.00020.
gnomAD v4.1: 51 of 1,580,874 alleles (0.0032%); highest among the groups gnomAD compares: Middle Eastern, 0.017%; no homozygotes.

Submissions (2):

Labcorp Genetics (formerly Invitae), Labcorp
Classification: Uncertain significance. Last evaluated: 2025-11-01. Review status: criteria provided, single submitter. Criteria: Invitae Variant Classification Sherloc (09022015). Collection method: clinical testing. Allele origin: germline.
Comment: This sequence change replaces valine, which is neutral and non-polar, with methionine, which is neutral and non-polar, at codon 180 of the CREB3L3 protein (p.Val180Met). This variant is present in population databases (rs548714946, gnomAD 0.05%). This missense change has been observed in individual(s) with hypertriglyceridemia (PMID: 21666694). ClinVar contains an entry for this variant (Variation ID: 2138189). Invitae Evidence Modeling of protein sequence and biophysical properties (such as structural, functional, and spatial information, amino acid conservation, physicochemical variation, residue mobility, and thermodynamic stability) indicates that this missense variant is not expected to disrupt CREB3L3 protein function with a negative predictive value of 80%. In summary, the available evidence is currently insufficient to determine the role of this variant in disease. Therefore, it has been classified as a Variant of Uncertain Significance.

Ambry Genetics
Classification: Uncertain significance. Last evaluated: 2023-02-13. Review status: criteria provided, single submitter. Criteria: Ambry Variant Classification Scheme 2023. Collection method: clinical testing. Allele origin: germline.
Comment: The c.538G>A (p.V180M) alteration is located in coding exon 4 of the CREB3L3 gene. This alteration results from a G to A substitution at nucleotide position 538, causing the valine (V) at amino acid position 180 to be replaced by a methionine (M). This amino acid position is highly conserved in available vertebrate species. This alteration is predicted to be tolerated by in silico analysis. Based on insufficient or conflicting evidence, the clinical significance of this alteration remains unclear.

Literature cited by the submitters: PubMed 21666694 (cited by Labcorp Genetics (formerly Invitae), Labcorp); PubMed 28106320 (cited by Ambry Genetics).